The following is an entry in ClinVar:

ClinVar aggregate classification (germline): Uncertain significance (1 of 4 stars; one submission).

Allele frequency attached by ClinVar (database versions not stated): gnomAD exomes below 0.00001; gnomAD 0.00001; TOPMed 0.00001.
gnomAD v4.1: 3 of 1,613,846 alleles (0.00019%); highest among the groups gnomAD compares: South Asian, 0.0022%; no homozygotes.

Submission:

Labcorp Genetics (formerly Invitae), Labcorp
Classification: Uncertain significance. Last evaluated: 2022-11-22. Review status: criteria provided, single submitter. Criteria: Invitae Variant Classification Sherloc (09022015). Collection method: clinical testing. Allele origin: germline.
Comment: This sequence change replaces glutamic acid, which is acidic and polar, with lysine, which is basic and polar, at codon 3155 of the LRP2 protein (p.Glu3155Lys). This variant is not present in population databases (gnomAD no frequency). This variant has not been reported in the literature in individuals affected with LRP2-related conditions. ClinVar contains an entry for this variant (Variation ID: 1403505). Advanced modeling of protein sequence and biophysical properties (such as structural, functional, and spatial information, amino acid conservation, physicochemical variation, residue mobility, and thermodynamic stability) performed at Invitae indicates that this missense variant is expected to disrupt LRP2 protein function. In summary, the available evidence is currently insufficient to determine the role of this variant in disease. Therefore, it has been classified as a Variant of Uncertain Significance.

NM_004525.3(LRP2):c.9463G>A (p.Glu3155Lys)

Gene: LRP2 (LDL receptor related protein 2; minus strand). Cytogenetic location: 2q31.1.
Variant type: single nucleotide variant.
Coding change: c.9463G>A on transcript NM_004525.3 (MANE Select); coding-DNA position 9463, G replaced by A.
Protein change: p.Glu3155Lys; replaces glutamic acid 3155 with lysine.
Molecular consequence: missense variant.
Genome position (GRCh38, 1-based): chr2:169,185,885, C>T on the plus strand (G>A on the coding strand, the complement: LRP2 is on the minus strand). VCF-style: chr2-169185885-C-T. GRCh37 (hg19) VCF-style: chr2-170042395-C-T.
Other names: short protein forms E3155K.
Identifiers: ClinVar variation 1403505 (VCV001403505.8), dbSNP rs764973021, ClinGen allele CA349154528.